The following is an entry in ClinVar:

NM_004380.3(CREBBP):c.6444C>T (p.Gly2148=)

Gene: CREBBP (CREB binding lysine acetyltransferase; minus strand). Cytogenetic location: 16p13.3.
Variant type: single nucleotide variant.
Coding change: c.6444C>T on transcript NM_004380.3 (MANE Select); coding-DNA position 6444, C replaced by T.
Protein change: p.Gly2148=; no amino-acid change (glycine 2148 retained).
Molecular consequence: synonymous variant.
Genome position (GRCh38, 1-based): chr16:3,728,603, G>A on the plus strand (C>T on the coding strand, the complement: CREBBP is on the minus strand). VCF-style: chr16-3728603-G-A. GRCh37 (hg19) VCF-style: chr16-3778604-G-A.
Other names: c.6330C>T, p.Gly2110= (NM_001079846.1).
Identifiers: ClinVar variation 527964 (VCV000527964.34), dbSNP rs148539895, ClinGen allele CA7869110.
Genomic context (GRCh38, chr16:3,728,603, plus strand): 5'-GCCCTGGGGGTTCAGGCCTCCCATCGCCTGCTGCTGTGGAGGCACACCGGGCCGCGGCAC[G>A]CCAGCCTGCATGGCATTCAGGTTCTGCAGGCTGGGCTGCTGGTGCATGCCAGGCTGGGGT-3'
Protein context (NP_004371.2, residues 2138-2158): SLQNLNAMQA[Gly2148=]VPRPGVPPQQ

ClinVar aggregate classification (germline): Benign/Likely benign. Review status: criteria provided, multiple submitters, no conflicts (2 of 4 stars). 4 submissions from 4 submitters: Benign (1); Likely benign (3). Last evaluated 2025-09-29.

Conditions:
Rubinstein-Taybi syndrome (RSTS). Identifiers: Orphanet 783, MedGen C0035934, MONDO:0019188.

Allele frequency attached by ClinVar (database versions not stated): ExAC 0.00005; ESP Exome Variant Server 0.00008; gnomAD exomes 0.00011 and 0.00014; gnomAD 0.00013 and 0.00015; 1000 Genomes Project 30x 0.00016; 1000 Genomes Project 0.00020; TOPMed 0.00021.
gnomAD v4.1: 223 of 1,613,658 alleles (0.014%); highest among the groups gnomAD compares: Middle Eastern, 0.049%; 1 homozygote.

Submissions (4):

Labcorp Genetics (formerly Invitae), Labcorp
Classification: Benign for Rubinstein-Taybi syndrome. Last evaluated: 2025-09-29. Review status: criteria provided, single submitter. Criteria: Invitae Variant Classification Sherloc (09022015). Collection method: clinical testing. Allele origin: germline.

CeGaT Center for Human Genetics Tuebingen
Classification: Likely benign. Last evaluated: 2025-02-01. Review status: criteria provided, single submitter. Criteria: CeGaT Center For Human Genetics Tuebingen Variant Classification Criteria Version 2. Collection method: clinical testing. Allele origin: germline. Affected: yes. Observed: 2 variant alleles.
Comment: CREBBP: BP4, BP7

Blueprint Genetics
Classification: Likely benign. Last evaluated: 2024-10-22. Review status: criteria provided, single submitter. Criteria: ACMG Guidelines, 2015. Collection method: clinical testing. Allele origin: germline.

GeneDx
Classification: Likely benign. Last evaluated: 2021-02-03. Review status: criteria provided, single submitter. Criteria: GeneDx Variant Classification Process June 2021. Collection method: clinical testing. Allele origin: germline. Affected: yes.